The following is an entry in ClinVar:

ClinVar aggregate classification (germline): Uncertain significance (1 of 4 stars; one submission).

gnomAD v4.1: 2 of 1,614,172 alleles (0.00012%); highest among the groups gnomAD compares: Non-Finnish European, 0.00017%; no homozygotes.

Submission:

Labcorp Genetics (formerly Invitae), Labcorp
Classification: Uncertain significance. Last evaluated: 2022-09-27. Review status: criteria provided, single submitter. Criteria: Invitae Variant Classification Sherloc (09022015). Collection method: clinical testing. Allele origin: germline.
Comment: This missense change has been observed in individual(s) with retinitis pigmentosa (PMID: 21825139). This sequence change replaces arginine, which is basic and polar, with threonine, which is neutral and polar, at codon 394 of the MAK protein (p.Arg394Thr). This variant is not present in population databases (gnomAD no frequency). Advanced modeling of protein sequence and biophysical properties (such as structural, functional, and spatial information, amino acid conservation, physicochemical variation, residue mobility, and thermodynamic stability) performed at Invitae indicates that this missense variant is not expected to disrupt MAK protein function. In summary, the available evidence is currently insufficient to determine the role of this variant in disease. Therefore, it has been classified as a Variant of Uncertain Significance.

Literature cited by the submitters: PubMed 21825139.

NM_001242957.3(MAK):c.1181G>C (p.Arg394Thr)

Gene: MAK (male germ cell associated kinase; minus strand). Cytogenetic location: 6p24.2.
Variant type: single nucleotide variant.
Coding change: c.1181G>C on transcript NM_001242957.3 (MANE Select); coding-DNA position 1181, G replaced by C.
Protein change: p.Arg394Thr; replaces arginine 394 with threonine.
Molecular consequence: missense variant. On other transcripts: non-coding transcript variant (2).
Genome position (GRCh38, 1-based): chr6:10,791,810, C>G on the plus strand (G>C on the coding strand, the complement: MAK is on the minus strand). VCF-style: chr6-10791810-C-G. GRCh37 (hg19) VCF-style: chr6-10792043-C-G.
Other names: c.1181G>C, p.Arg394Thr (NM_001242385.2, NM_005906.6); c.1079G>C, p.Arg360Thr (NM_001377262.1); short protein forms R360T, R394T.
Identifiers: ClinVar variation 2136367 (VCV002136367.4), dbSNP rs2532399364, ClinGen allele CA362718846.